The following is an entry in ClinVar:

ClinVar aggregate classification (germline): Uncertain significance (1 of 4 stars; one submission).

Conditions:
Granulomatous disease, chronic, autosomal recessive, cytochrome b-positive, type 2. Also called: CGD, AUTOSOMAL RECESSIVE CYTOCHROME b-POSITIVE, TYPE II; GRANULOMATOUS DISEASE, CHRONIC, AUTOSOMAL RECESSIVE, 2; Chronic granulomatous disease due to deficiency of NCF-2; Chronic Granulomatous Disease, Autosomal Recessive, Cytochrome b-Positive, Type II; GRANULOMATOUS DISEASE, CHRONIC, DUE TO NCF2 DEFICIENCY. Identifiers: Orphanet 379, MedGen C1856245, MONDO:0009310, OMIM 233710.

Submission:

Labcorp Genetics (formerly Invitae), Labcorp
Classification: Uncertain significance for Granulomatous disease, chronic, autosomal recessive, cytochrome b-positive, type 2. Last evaluated: 2017-06-02. Review status: criteria provided, single submitter. Criteria: Invitae Variant Classification Sherloc (09022015). Collection method: clinical testing. Allele origin: germline.
Comment: Algorithms developed to predict the effect of sequence changes on RNA splicing suggest that this variant may create or strengthen a splice site, but this prediction has not been confirmed by published transcriptional studies. Algorithms developed to predict the effect of missense changes on protein structure and function output the following: SIFT: "Tolerated"; PolyPhen-2: "Benign"; Align-GVGD: "Class C0". The arginine amino acid residue is found in multiple mammalian species, suggesting that this missense change does not adversely affect protein function. These predictions have not been confirmed by published functional studies and their clinical significance is uncertain. This variant has not been reported in the literature in individuals with a NCF2-related disease. This variant is not present in population databases (ExAC no frequency). This sequence change replaces lysine with arginine at codon 508 of the NCF2 protein (p.Lys508Arg). The lysine residue is moderately conserved and there is a small physicochemical difference between lysine and arginine. In summary, this variant has uncertain impact on NCF2 function. The available evidence is currently insufficient to determine its role in disease. Therefore, it has been classified as a Variant of Uncertain Significance.

NM_000433.4(NCF2):c.1523A>G (p.Lys508Arg)

Gene: NCF2 (neutrophil cytosolic factor 2; minus strand). Cytogenetic location: 1q25.3.
Variant type: single nucleotide variant.
Coding change: c.1523A>G on transcript NM_000433.4 (MANE Select); coding-DNA position 1523, A replaced by G.
Protein change: p.Lys508Arg; replaces lysine 508 with arginine.
Molecular consequence: missense variant.
Genome position (GRCh38, 1-based): chr1:183,556,176, T>C on the plus strand (A>G on the coding strand, the complement: NCF2 is on the minus strand). VCF-style: chr1-183556176-T-C. GRCh37 (hg19) VCF-style: chr1-183525311-T-C.
Other names: c.1523A>G, p.Lys508Arg (NM_001127651.3); c.1280A>G, p.Lys427Arg (NM_001190789.2); c.1388A>G, p.Lys463Arg (NM_001190794.2); short protein forms K508R, K427R, K463R.
Identifiers: ClinVar variation 466298 (VCV000466298.9), dbSNP rs897063287, ClinGen allele CA34017977.
Genomic context (GRCh38, chr1:183,556,176, plus strand): 5'-TCCTAGACTTCTCTCCGAGTGCTTTCCAAATCTGTAGTTGCGCAGTCTTCAACAAAAACT[T>C]TGGGGAAAATGCCCACCTTCCCTTTGCACTCCCCTTCCAGCCATTCTTCATTCACTGATA-3'
Protein context (NP_000424.2, residues 498-518): ECKGKVGIFP[Lys508Arg]VFVEDCATTD